The following is an entry in ClinVar:

NM_000059.4(BRCA2):c.4883A>G (p.Lys1628Arg)

Gene: BRCA2 (BRCA2 DNA repair associated; plus strand). Cytogenetic location: 13q13.1.
Variant type: single nucleotide variant.
Coding change: c.4883A>G on transcript NM_000059.4 (MANE Select); coding-DNA position 4883, A replaced by G.
Protein change: p.Lys1628Arg; replaces lysine 1628 with arginine.
Molecular consequence: missense variant.
Genome position (GRCh38, 1-based): chr13:32,339,238, A>G. VCF-style: chr13-32339238-A-G. GRCh37 (hg19) VCF-style: chr13-32913375-A-G.
Other names: short protein forms K1628R.
Identifiers: ClinVar variation 846583 (VCV000846583.12), dbSNP rs2072514952, ClinGen allele CA387783499.

ClinVar aggregate classification (germline): Conflicting classifications of pathogenicity. Review status: criteria provided, conflicting classifications (1 of 4 stars). 3 submissions from 3 submitters: Uncertain significance (1); Likely benign (2). Last evaluated 2024-01-11.

Conditions:
Hereditary breast ovarian cancer syndrome. Also called: Breast and ovarian cancer; Hereditary breast and ovarian cancer; Hereditary breast and/or ovarian cancer syndrome; BRCA1- and BRCA2-Associated Hereditary Breast and Ovarian Cancer; Hereditary breast and ovarian cancer syndrome; Hereditary breast and ovarian cancer syndrome (HBOC). Identifiers: Orphanet 145, MedGen C0677776, MeSH D061325, MONDO:0003582. Disease mechanism: loss of function.
Hereditary cancer-predisposing syndrome. Also called: Tumor predisposition; Hereditary neoplastic syndrome; Neoplastic Syndromes, Hereditary; Hereditary Cancer Syndrome. Identifiers: Orphanet 140162, MedGen C0027672, MeSH D009386, MONDO:0015356.

Allele frequency attached by ClinVar (database versions not stated): gnomAD exomes below 0.00001.
gnomAD v4.1: 1 of 1,613,310 alleles (0.000062%); highest among the groups gnomAD compares: East Asian, 0.0022%; no homozygotes.

Submissions (3):

Ambry Genetics
Classification: Likely benign for Hereditary cancer-predisposing syndrome. Last evaluated: 2024-01-11. Review status: criteria provided, single submitter. Criteria: Ambry Variant Classification Scheme 2023. Collection method: clinical testing. Allele origin: germline.

University of Washington Department of Laboratory Medicine, University of Washington
Classification: Likely benign for Hereditary cancer-predisposing syndrome. Last evaluated: 2023-03-23. Review status: criteria provided, single submitter. Criteria: Dines et al. (Genet Med. 2020). Collection method: curation. Allele origin: germline.
Comment: Missense variant in a coldspot region where missense variants are very unlikely to be pathogenic (PMID:31911673).

BRCA2 exon 11 coldspot. Reclassification based on statistical prior probability.

Labcorp Genetics (formerly Invitae), Labcorp
Classification: Uncertain significance for Hereditary breast ovarian cancer syndrome. Last evaluated: 2019-12-03. Review status: criteria provided, single submitter. Criteria: Invitae Variant Classification Sherloc (09022015). Collection method: clinical testing. Allele origin: germline.
Comment: This variant has not been reported in the literature in individuals with BRCA2-related conditions. This variant is not present in population databases (ExAC no frequency). This sequence change replaces lysine with arginine at codon 1628 of the BRCA2 protein (p.Lys1628Arg). The lysine residue is weakly conserved and there is a small physicochemical difference between lysine and arginine. Algorithms developed to predict the effect of missense changes on protein structure and function output the following: SIFT: "Tolerated"; PolyPhen-2: "Benign"; Align-GVGD: "Class C0". The arginine amino acid residue is found in multiple mammalian species, suggesting that this missense change does not adversely affect protein function. These predictions have not been confirmed by published functional studies and their clinical significance is uncertain. In summary, the available evidence is currently insufficient to determine the role of this variant in disease. Therefore, it has been classified as a Variant of Uncertain Significance.